The following is an entry in ClinVar:

ClinVar aggregate classification (germline): Conflicting classifications of pathogenicity. Review status: criteria provided, conflicting classifications (1 of 4 stars). 6 submissions from 6 submitters: Pathogenic (1); Uncertain significance (5). Last evaluated 2023-12-07.

Conditions:
Inborn genetic diseases. Identifiers: MedGen C0950123, MeSH D030342.
Ogden syndrome (OGDNS). Also called: N-TERMINAL ACETYLTRANSFERASE DEFICIENCY. Identifiers: Orphanet 276432, MedGen C3275447, MONDO:0010457, OMIM 300855.

Submissions (8):

GeneDx
Classification: Uncertain significance. Last evaluated: 2023-12-07. Review status: criteria provided, single submitter. Criteria: GeneDx Variant Classification Process June 2021. Collection method: clinical testing. Allele origin: germline. Affected: yes.
Comment: Not observed at significant frequency in large population cohorts (gnomAD); In silico analysis supports that this missense variant has a deleterious effect on protein structure/function; This variant is associated with the following publications: (PMID: 36810866, 37130971)

Labcorp Genetics (formerly Invitae), Labcorp
Classification: Uncertain significance. Last evaluated: 2023-12-07. Review status: criteria provided, single submitter. Criteria: Invitae Variant Classification Sherloc (09022015). Collection method: clinical testing. Allele origin: germline.
Comment: This sequence change replaces arginine, which is basic and polar, with tryptophan, which is neutral and slightly polar, at codon 149 of the NAA10 protein (p.Arg149Trp). This variant is not present in population databases (gnomAD no frequency). This missense change has been observed in individual(s) with NAA10-related neurodevelopmental syndrome (PMID: 36810866). ClinVar contains an entry for this variant (Variation ID: 985001). An algorithm developed to predict the effect of missense changes on protein structure and function (PolyPhen-2) suggests that this variant is likely to be disruptive. In summary, the available evidence is currently insufficient to determine the role of this variant in disease. Therefore, it has been classified as a Variant of Uncertain Significance.

Institute of Human Genetics, University of Leipzig Medical Center
Classification: Uncertain significance for Ogden syndrome. Last evaluated: 2023-09-29. Review status: criteria provided, single submitter. Criteria: ACMG Guidelines, 2015. Collection method: clinical testing. Allele origin: maternal. Inheritance: X-linked dominant inheritance. Affected: yes.
Comment: Criteria applied: PS4_SUP,PM2_SUP

Blueprint Genetics
Classification: Uncertain significance. Last evaluated: 2023-05-22. Review status: criteria provided, single submitter. Criteria: ACMG Guidelines, 2015. Collection method: clinical testing. Allele origin: germline.

Mendelics
Classification: Pathogenic for Ogden syndrome. Last evaluated: 2022-05-04. Review status: criteria provided, single submitter. Criteria: Mendelics Assertion Criteria 2019. Collection method: clinical testing. Allele origin: germline.

Ambry Genetics
Classification: Uncertain significance for Inborn genetic diseases. Last evaluated: 2018-02-27. Review status: criteria provided, single submitter. Criteria: Ambry exome assertion method (8-5-2015). Collection method: clinical testing. Allele origin: germline. Affected: yes. Observed: 1 variant allele.

Dr. Peter K. Rogan Lab, Western University
No classification provided (evidence only). Condition: Thyroid cancer, nonmedullary, 1. Review status: no classification provided. Collection method: in vitro. Allele origin: not applicable. Functional consequence: retained intron. Not counted in ClinVar's aggregate classification.

Dr. Peter K. Rogan Lab, Western University
No classification provided (evidence only). Condition: Thyroid cancer, nonmedullary, 1. Review status: no classification provided. Collection method: in vitro. Allele origin: not applicable. Functional consequence: retained intron. Not counted in ClinVar's aggregate classification.

Literature cited by the submitters: PubMed 36810866 (cited by Labcorp Genetics (formerly Invitae), Labcorp).

NM_003491.4(NAA10):c.445C>T (p.Arg149Trp)

Gene: NAA10 (N-alpha-acetyltransferase 10, NatA catalytic subunit; minus strand). Cytogenetic location: Xq28.
Variant type: single nucleotide variant.
Coding change: c.445C>T on transcript NM_003491.4 (MANE Select); coding-DNA position 445, C replaced by T.
Protein change: p.Arg149Trp; replaces arginine 149 with tryptophan.
Molecular consequence: missense variant.
Genome position (GRCh38, 1-based): chrX:153,930,789, G>A on the plus strand (C>T on the coding strand, the complement: NAA10 is on the minus strand). VCF-style: chrX-153930789-G-A. GRCh37 (hg19) VCF-style: chrX-153196242-G-A.
Other names: c.400C>T, p.Arg134Trp (NM_001256119.2); c.427C>T, p.Arg143Trp (NM_001256120.2); c.445C>T (NM_003491.3); short protein forms R134W, R143W, R149W.
Identifiers: ClinVar variation 985001 (VCV000985001.10), dbSNP rs2065162324, ClinGen allele CA415157658.